The following is an entry in ClinVar:

NM_017780.4(CHD7):c.295G>T (p.Ala99Ser)

Gene: CHD7 (chromodomain helicase DNA binding protein 7; plus strand). Cytogenetic location: 8q12.2.
Variant type: single nucleotide variant.
Coding change: c.295G>T on transcript NM_017780.4 (MANE Select); coding-DNA position 295, G replaced by T.
Protein change: p.Ala99Ser; replaces alanine 99 with serine.
Molecular consequence: missense variant.
Genome position (GRCh38, 1-based): chr8:60,741,727, G>T. VCF-style: chr8-60741727-G-T. GRCh37 (hg19) VCF-style: chr8-61654286-G-T.
Other names: c.295G>T, p.Ala99Ser (NM_001316690.1); short protein forms A99S.
Identifiers: ClinVar variation 4717220 (VCV004717220.1).

ClinVar aggregate classification (germline): Uncertain significance (1 of 4 stars; one submission).

Conditions:
CHARGE syndrome (CHARGE). Also called: Hittner Hirsch Kreh syndrome; CHARGE ASSOCIATION--COLOBOMA, HEART ANOMALY, CHOANAL ATRESIA, RETARDATION, GENITAL AND EAR ANOMALIES; Coloboma, heart anomaly, choanal atresia, retardation, genital and ear anomalies; CHARGE association; Hall-Hittner syndrome. Identifiers: Orphanet 138, MedGen C0265354, MONDO:0008965.

Submission:

Labcorp Genetics (formerly Invitae), Labcorp
Classification: Uncertain significance for CHARGE syndrome. Last evaluated: 2025-12-24. Review status: criteria provided, single submitter. Criteria: Invitae Variant Classification Sherloc (09022015). Collection method: clinical testing. Allele origin: germline.
Comment: This sequence change replaces alanine, which is neutral and non-polar, with serine, which is neutral and polar, at codon 99 of the CHD7 protein (p.Ala99Ser). This variant is not present in population databases (gnomAD no frequency). This variant has not been reported in the literature in individuals affected with CHD7-related conditions. Invitae Evidence Modeling of protein sequence and biophysical properties (such as structural, functional, and spatial information, amino acid conservation, physicochemical variation, residue mobility, and thermodynamic stability) indicates that this missense variant is not expected to disrupt CHD7 protein function with a negative predictive value of 95%. In summary, the available evidence is currently insufficient to determine the role of this variant in disease. Therefore, it has been classified as a Variant of Uncertain Significance.